The following is an entry in ClinVar:

NM_005862.3(STAG1):c.1743+3A>G

Gene: STAG1 (STAG1 cohesin complex component; minus strand). Cytogenetic location: 3q22.3.
Variant type: single nucleotide variant.
Coding change: c.1743+3A>G on transcript NM_005862.3 (MANE Select); 3 bases into the intron after coding-DNA position 1743, A replaced by G.
Molecular consequence: intron variant.
Genome position (GRCh38, 1-based): chr3:136,422,949, T>C on the plus strand (A>G on the coding strand, the complement: STAG1 is on the minus strand). VCF-style: chr3-136422949-T-C. GRCh37 (hg19) VCF-style: chr3-136141791-T-C.
Other names: c.1743+3A>G (NM_005862.2).
Identifiers: ClinVar variation 2049794 (VCV002049794.29), dbSNP rs199737999, ClinGen allele CA2632816.

ClinVar aggregate classification (germline): Benign/Likely benign. Review status: criteria provided, multiple submitters, no conflicts (2 of 4 stars). 3 submissions from 3 submitters: Benign (1); Likely benign (2). Last evaluated 2025-12-29.

Conditions:
STAG1-related disorder. Also called: STAG1-related disorders.

Allele frequency attached by ClinVar (database versions not stated): ESP Exome Variant Server 0.00015; gnomAD 0.00061; gnomAD exomes 0.00082; 1000 Genomes Project 0.00120; 1000 Genomes Project 30x 0.00125; ExAC 0.00156; TOPMed 0.00029.
gnomAD v4.1: 1,284 of 1,596,944 alleles (0.08%); highest among the groups gnomAD compares: South Asian, 0.96%; 27 homozygotes.

Submissions (3):

Labcorp Genetics (formerly Invitae), Labcorp
Classification: Benign. Last evaluated: 2025-12-29. Review status: criteria provided, single submitter. Criteria: Invitae Variant Classification Sherloc (09022015). Collection method: clinical testing. Allele origin: germline.

CeGaT Center for Human Genetics Tuebingen
Classification: Likely benign. Last evaluated: 2025-11-01. Review status: criteria provided, single submitter. Criteria: CeGaT Center For Human Genetics Tuebingen Variant Classification Criteria Version 2. Collection method: clinical testing. Allele origin: germline. Affected: yes. Observed: 5 variant alleles.
Comment: STAG1: BP4, BS2

PreventionGenetics, part of Exact Sciences
Classification: Likely benign for STAG1-related condition. Last evaluated: 2024-12-06. Review status: criteria provided, single submitter. Criteria: ACMG Guidelines, 2015. Collection method: clinical testing. Allele origin: germline.
Comment: This variant is classified as likely benign based on ACMG/AMP sequence variant interpretation guidelines (Richards et al. 2015 PMID: 25741868, with internal and published modifications).